The following is an entry in ClinVar:

ClinVar aggregate classification (germline): Uncertain significance (1 of 4 stars; one submission).

Allele frequency attached by ClinVar (database versions not stated): gnomAD exomes below 0.00001 and 0.00001; gnomAD 0.00001.
gnomAD v4.1: 6 of 1,503,722 alleles (0.0004%); highest among the groups gnomAD compares: Admixed American, 0.0021%; no homozygotes.

Submission:

Labcorp Genetics (formerly Invitae), Labcorp
Classification: Uncertain significance. Last evaluated: 2024-10-29. Review status: criteria provided, single submitter. Criteria: Invitae Variant Classification Sherloc (09022015). Collection method: clinical testing. Allele origin: germline.
Comment: This sequence change replaces threonine, which is neutral and polar, with methionine, which is neutral and non-polar, at codon 589 of the FUK protein (p.Thr589Met). The frequency data for this variant in the population databases is considered unreliable, as metrics indicate poor data quality at this position in the gnomAD database. This variant has not been reported in the literature in individuals affected with FUK-related conditions. ClinVar contains an entry for this variant (Variation ID: 1682378). An algorithm developed to predict the effect of missense changes on protein structure and function outputs the following: PolyPhen-2: "Benign". The methionine amino acid residue is found in multiple mammalian species, which suggests that this missense change does not adversely affect protein function. In summary, the available evidence is currently insufficient to determine the role of this variant in disease. Therefore, it has been classified as a Variant of Uncertain Significance.

NM_145059.3(FCSK):c.1766C>T (p.Thr589Met)

Gene: FCSK (fucose kinase; plus strand). Cytogenetic location: 16q22.1.
Variant type: single nucleotide variant.
Coding change: c.1766C>T on transcript NM_145059.3 (MANE Select); coding-DNA position 1766, C replaced by T.
Protein change: p.Thr589Met; replaces threonine 589 with methionine.
Molecular consequence: missense variant.
Genome position (GRCh38, 1-based): chr16:70,473,342, C>T. VCF-style: chr16-70473342-C-T. GRCh37 (hg19) VCF-style: chr16-70507245-C-T.
Other names: short protein forms T589M.
Identifiers: ClinVar variation 1682378 (VCV001682378.6), dbSNP rs1180383871, ClinGen allele CA396571055.